The following is an entry in ClinVar:

NM_005045.4(RELN):c.510del (p.Asp171fs)

Gene: RELN (reelin; minus strand). Cytogenetic location: 7q22.1.
Variant type: Deletion.
Coding change: c.510del on transcript NM_005045.4 (MANE Select); coding-DNA position 510, one base deleted (A; older notation c.510delA).
Protein change: p.Asp171fs; shifts the reading frame from aspartic acid 171.
Molecular consequence: frameshift variant.
Genome position (GRCh38, 1-based): chr7:103,776,591, T deleted on the plus strand (A on the coding strand, the reverse complement: RELN is on the minus strand); the first of 3 consecutive T bases (chr7:103,776,591-103,776,593); deleting any one gives the same sequence. VCF-style (leftmost placement, unchanged base first): chr7-103776590-CT-C. GRCh37 (hg19) VCF-style: chr7-103417037-CT-C.
Other names: c.510del, p.Asp171fs (NM_173054.3); short protein forms D171fs.
Identifiers: ClinVar variation 3239545 (VCV003239545.19), dbSNP rs2485111204.

ClinVar aggregate classification (germline): Pathogenic (1 of 4 stars; one submission).

Submission:

CeGaT Center for Human Genetics Tuebingen
Classification: Pathogenic. Last evaluated: 2024-05-01. Review status: criteria provided, single submitter. Criteria: CeGaT Center For Human Genetics Tuebingen Variant Classification Criteria Version 2. Collection method: clinical testing. Allele origin: germline. Affected: yes. Observed: 1 variant allele.
Comment: RELN: PVS1, PM2, PM3:Supporting